The following is an entry in ClinVar:

ClinVar aggregate classification (germline): Uncertain significance. Review status: criteria provided, multiple submitters, no conflicts (2 of 4 stars). 4 submissions from 4 submitters: Uncertain significance (4). Last evaluated 2025-06-02.

Conditions:
Hereditary cancer-predisposing syndrome. Also called: Tumor predisposition; Hereditary Cancer Syndrome; Hereditary neoplastic syndrome; Neoplastic Syndromes, Hereditary. Identifiers: Orphanet 140162, MedGen C0027672, MeSH D009386, MONDO:0015356.
Familial adenomatous polyposis 1 (FAP1). Also called: FAMILIAL ADENOMATOUS POLYPOSIS 1, ATTENUATED; POLYPOSIS, ADENOMATOUS INTESTINAL. Identifiers: MedGen C2713442, MONDO:0021056, OMIM 175100. Disease mechanism: loss of function.

Allele frequency attached by ClinVar (database versions not stated): TOPMed below 0.00001.
gnomAD v4.1: 5 of 1,614,000 alleles (0.00031%); highest among the groups gnomAD compares: Non-Finnish European, 0.00042%; no homozygotes.

Submissions (4):

Color Diagnostics, LLC DBA Color Health
Classification: Uncertain significance for Hereditary cancer-predisposing syndrome. Last evaluated: 2025-06-02. Review status: criteria provided, single submitter. Criteria: ACMG Guidelines, 2015. Collection method: clinical testing. Allele origin: germline.
Comment: This missense variant replaces threonine with asparagine at codon 619 of the APC protein. Computational prediction suggests that this variant may not impact protein structure and function. To our knowledge, functional studies have not been reported for this variant. This variant has not been reported in individuals affected with APC-related disorders in the literature. This variant has not been identified in the general population by the Genome Aggregation Database (gnomAD). The available evidence is insufficient to determine the role of this variant in disease conclusively. Therefore, this variant is classified as a Variant of Uncertain Significance.

Labcorp Genetics (formerly Invitae), Labcorp
Classification: Uncertain significance for Familial adenomatous polyposis 1. Last evaluated: 2025-05-07. Review status: criteria provided, single submitter. Criteria: Invitae Variant Classification Sherloc (09022015). Collection method: clinical testing. Allele origin: germline.
Comment: This sequence change replaces threonine, which is neutral and polar, with asparagine, which is neutral and polar, at codon 619 of the APC protein (p.Thr619Asn). This variant is not present in population databases (gnomAD no frequency). This variant has not been reported in the literature in individuals affected with APC-related conditions. ClinVar contains an entry for this variant (Variation ID: 486745). Invitae Evidence Modeling of protein sequence and biophysical properties (such as structural, functional, and spatial information, amino acid conservation, physicochemical variation, residue mobility, and thermodynamic stability) indicates that this missense variant is not expected to disrupt APC protein function with a negative predictive value of 95%. In summary, the available evidence is currently insufficient to determine the role of this variant in disease. Therefore, it has been classified as a Variant of Uncertain Significance.

Ambry Genetics
Classification: Uncertain significance for Hereditary cancer-predisposing syndrome. Last evaluated: 2024-05-02. Review status: criteria provided, single submitter. Criteria: Ambry Variant Classification Scheme 2023. Collection method: clinical testing. Allele origin: germline.
Comment: The p.T619N variant (also known as c.1856C>A), located in coding exon 14 of the APC gene, results from a C to A substitution at nucleotide position 1856. The threonine at codon 619 is replaced by asparagine, an amino acid with similar properties. This amino acid position is highly conserved in available vertebrate species. In addition, in silico predictors for this gene do not accurately predict pathogenicity. Based on the available evidence, the clinical significance of this variant remains unclear.

Baylor Genetics
Classification: Uncertain significance for Familial adenomatous polyposis 1. Last evaluated: 2023-06-30. Review status: criteria provided, single submitter. Criteria: ACMG Guidelines, 2015. Collection method: clinical testing. Allele origin: unknown.

NM_000038.6(APC):c.1856C>A (p.Thr619Asn)

Gene: APC (APC regulator of Wnt signaling pathway; plus strand). Cytogenetic location: 5q22.2.
Variant type: single nucleotide variant.
Coding change: c.1856C>A on transcript NM_000038.6 (MANE Select); coding-DNA position 1856, C replaced by A.
Protein change: p.Thr619Asn; replaces threonine 619 with asparagine.
Molecular consequence: missense variant.
Genome position (GRCh38, 1-based): chr5:112,835,063, C>A. VCF-style: chr5-112835063-C-A. GRCh37 (hg19) VCF-style: chr5-112170760-C-A.
Other names: c.1856C>A, p.Thr619Asn (NM_001127510.3, NM_001354895.2); c.1802C>A, p.Thr601Asn (NM_001127511.3); c.1910C>A, p.Thr637Asn (NM_001354896.2); c.1886C>A, p.Thr629Asn (NM_001354897.2); c.1781C>A, p.Thr594Asn (NM_001354898.2); c.1772C>A, p.Thr591Asn (NM_001354899.2); c.1733C>A, p.Thr578Asn (NM_001354900.2); c.1679C>A, p.Thr560Asn (NM_001354901.2); and 5 more; short protein forms T619N, T601N, T493N, T594N, T459N, T560N, T336N, T518N.
Identifiers: ClinVar variation 486745 (VCV000486745.17), dbSNP rs1197473008, ClinGen allele CA16025381.